The following is an entry in ClinVar:

Conditions:
Breast-ovarian cancer, familial, susceptibility to, 1 (BROVCA1). Also called: BRCA1 Hereditary Breast and Ovarian Cancer; OVARIAN CANCER, SUSCEPTIBILITY TO. Identifiers: Orphanet 145, MedGen C2676676, MONDO:0011450, OMIM 604370. Disease mechanism: loss of function.

Submission:

Brotman Baty Institute, University of Washington
No classification provided (evidence only). Condition: Breast-ovarian cancer, familial 1. Review status: no classification provided. Collection method: in vitro. Allele origin: not applicable. Functional consequence: functionally_normal.
ClinVar note: "not provided" was previously submitted as the classification for the variant. However, the classification appeared to be based only on an observation of functional data so it was converted to no classification on 2025-07-30.

NM_007294.4(BRCA1):c.5328C>A (p.Pro1776=)

Gene: BRCA1 (BRCA1 DNA repair associated; minus strand). Cytogenetic location: 17q21.31.
Variant type: single nucleotide variant.
Coding change: c.5328C>A on transcript NM_007294.4 (MANE Select); coding-DNA position 5328, C replaced by A.
Protein change: p.Pro1776=; no amino-acid change (proline 1776 retained).
Molecular consequence: synonymous variant. On other transcripts: intron variant (2).
Genome position (GRCh38, 1-based): chr17:43,051,067, G>T on the plus strand (C>A on the coding strand, the complement: BRCA1 is on the minus strand). VCF-style: chr17-43051067-G-T. GRCh37 (hg19) VCF-style: chr17-41203084-G-T.
Other names: c.2016C>A, p.Pro672= (NM_001407981.1, NM_001407982.1, NM_001407983.1 and 13 more transcripts); c.2013C>A, p.Pro671= (NM_001408392.1, NM_001408396.1, NM_001408397.1 and 8 more transcripts); c.2010C>A, p.Pro670= (NM_001408406.1, NM_001408407.1, NM_001408408.1); c.2007C>A, p.Pro669= (NM_001408409.1); c.1944C>A, p.Pro648= (NM_001408410.1); c.1941C>A, p.Pro647= (NM_001408411.1); c.1938C>A, p.Pro646= (NM_001408412.1, NM_001408413.1, NM_001408414.1 and 2 more transcripts); c.1902C>A, p.Pro634= (NM_001408418.1, NM_001408419.1, NM_001408420.1); and 74 more.
Identifiers: ClinVar variation 865601 (VCV000865601.3), dbSNP rs759867616, ClinGen allele CA500143580.